The following is an entry in ClinVar:

ClinVar aggregate classification (germline): Uncertain significance (1 of 4 stars; one submission).

Submission:

Labcorp Genetics (formerly Invitae), Labcorp
Classification: Uncertain significance. Last evaluated: 2025-08-07. Review status: criteria provided, single submitter. Criteria: Invitae Variant Classification Sherloc (09022015). Collection method: clinical testing. Allele origin: germline.
Comment: This sequence change replaces glutamic acid, which is acidic and polar, with lysine, which is basic and polar, at codon 394 of the POLG2 protein (p.Glu394Lys). This variant is not present in population databases (gnomAD no frequency). This variant has not been reported in the literature in individuals affected with POLG2-related conditions. An algorithm developed to predict the effect of missense changes on protein structure and function (PolyPhen-2) suggests that this variant is likely to be disruptive. In summary, the available evidence is currently insufficient to determine the role of this variant in disease. Therefore, it has been classified as a Variant of Uncertain Significance.

NM_007215.4(POLG2):c.1180G>A (p.Glu394Lys)

Genes: MILR1 (mast cell immunoglobulin like receptor 1; plus strand), POLG2 (DNA polymerase gamma 2, accessory subunit; minus strand). Cytogenetic location: 17q23.3.
Variant type: single nucleotide variant.
Coding change: c.1180G>A on transcript NM_007215.4 (MANE Select); coding-DNA position 1180, G replaced by A.
Protein change: p.Glu394Lys; replaces glutamic acid 394 with lysine.
Molecular consequence: missense variant.
Genome position (GRCh38, 1-based): chr17:64,482,930, C>T on the plus strand (G>A on the coding strand, the complement: POLG2 is on the minus strand). VCF-style: chr17-64482930-C-T. GRCh37 (hg19) VCF-style: chr17-62479047-C-T.
Other names: short protein forms E394K.
Identifiers: ClinVar variation 4724645 (VCV004724645.1).